The following is an entry in ClinVar:

ClinVar aggregate classification (germline): Likely benign (1 of 4 stars; one submission).

gnomAD v4.1: 8 of 1,614,130 alleles (0.0005%); highest among the groups gnomAD compares: East Asian, 0.018%; no homozygotes.

Submission:

CeGaT Center for Human Genetics Tuebingen
Classification: Likely benign. Last evaluated: 2026-07-01. Review status: criteria provided, single submitter. Criteria: CeGaT Center For Human Genetics Tuebingen Variant Classification Criteria Version 2. Collection method: clinical testing. Allele origin: germline. Affected: yes. Observed: 1 variant allele.
Comment: TRMT5: BP4, BP7

NM_020810.3(TRMT5):c.150A>G (p.Leu50=)

Gene: TRMT5 (tRNA methyltransferase 5; minus strand). Cytogenetic location: 14q23.1.
Variant type: single nucleotide variant.
Coding change: c.150A>G on transcript NM_020810.3 (MANE Select); coding-DNA position 150, A replaced by G.
Protein change: p.Leu50=; no amino-acid change (leucine 50 retained).
Molecular consequence: synonymous variant.
Genome position (GRCh38, 1-based): chr14:60,979,748, T>C on the plus strand (A>G on the coding strand, the complement: TRMT5 is on the minus strand). VCF-style: chr14-60979748-T-C. GRCh37 (hg19) VCF-style: chr14-61446466-T-C.
Other names: c.234A>G, p.Leu78= (NM_001350253.1); c.231A>G, p.Leu77= (NM_001350254.1).
Identifiers: ClinVar variation 5040141 (VCV005040141.1).